The following is an entry in ClinVar:

NM_015650.4(TRAF3IP1):c.1694G>A (p.Arg565Gln)

Gene: TRAF3IP1 (TRAF3 interacting protein 1; plus strand). Cytogenetic location: 2q37.3.
Variant type: single nucleotide variant.
Coding change: c.1694G>A on transcript NM_015650.4 (MANE Select); coding-DNA position 1694, G replaced by A.
Protein change: p.Arg565Gln; replaces arginine 565 with glutamine.
Molecular consequence: missense variant.
Genome position (GRCh38, 1-based): chr2:238,397,463, G>A. VCF-style: chr2-238397463-G-A. GRCh37 (hg19) VCF-style: chr2-239306104-G-A.
Other names: c.1496G>A, p.Arg499Gln (NM_001139490.1); c.1694G>A (NM_015650.3); short protein forms R499Q, R565Q.
Identifiers: ClinVar variation 2122006 (VCV002122006.2), dbSNP rs199812505, ClinGen allele CA67990661.

ClinVar aggregate classification (germline): Uncertain significance. Review status: criteria provided, multiple submitters, no conflicts (2 of 4 stars). 2 submissions from 2 submitters: Uncertain significance (2). Last evaluated 2025-09-26.

Conditions:
Inborn genetic diseases. Identifiers: MedGen C0950123, MeSH D030342.

Allele frequency attached by ClinVar (database versions not stated): TOPMed below 0.00001; gnomAD 0.00001.
gnomAD v4.1: 6 of 1,612,554 alleles (0.00037%); highest among the groups gnomAD compares: Non-Finnish European, 0.00051%; no homozygotes.

Submissions (2):

Ambry Genetics
Classification: Uncertain significance for Inborn genetic diseases. Last evaluated: 2025-09-26. Review status: criteria provided, single submitter. Criteria: Ambry Variant Classification Scheme 2023. Collection method: clinical testing. Allele origin: germline.

Labcorp Genetics (formerly Invitae), Labcorp
Classification: Uncertain significance. Last evaluated: 2022-04-06. Review status: criteria provided, single submitter. Criteria: Invitae Variant Classification Sherloc (09022015). Collection method: clinical testing. Allele origin: germline.
Comment: This sequence change replaces arginine, which is basic and polar, with glutamine, which is neutral and polar, at codon 565 of the TRAF3IP1 protein (p.Arg565Gln). This variant is present in population databases (rs199812505, gnomAD 0.0009%). This variant has not been reported in the literature in individuals affected with TRAF3IP1-related conditions. Algorithms developed to predict the effect of missense changes on protein structure and function (SIFT, PolyPhen-2, Align-GVGD) all suggest that this variant is likely to be tolerated. In summary, the available evidence is currently insufficient to determine the role of this variant in disease. Therefore, it has been classified as a Variant of Uncertain Significance.